The following is an entry in ClinVar:

ClinVar aggregate classification (germline): Benign (0 of 4 stars; one submission).

Conditions:
FILIP1L-related disorder. Also called: FILIP1L-related condition.

Allele frequency attached by ClinVar (database versions not stated): 1000 Genomes Project 30x 0.25281; 1000 Genomes Project 0.25339; TOPMed 0.28737; gnomAD 0.28963; ESP Exome Variant Server 0.28975; ExAC 0.31314.
gnomAD v4.1: 519,788 of 1,613,234 alleles (32%); highest among the groups gnomAD compares: Admixed American, 36%; 85,260 homozygotes.

Submission:

PreventionGenetics, part of Exact Sciences
Classification: Benign for FILIP1L-related condition. Last evaluated: 2019-06-19. Review status: no assertion criteria provided. Collection method: clinical testing. Allele origin: germline.
Comment: This variant is classified as benign based on ACMG/AMP sequence variant interpretation guidelines (Richards et al. 2015 PMID: 25741868, with internal and published modifications).

NM_001387850.1(FILIP1L):c.503G>A (p.Arg168His)

Genes: CMSS1 (cms1 ribosomal small subunit homolog; plus strand), FILIP1L (filamin A interacting protein 1 like; minus strand), LOC105374010 (uncharacterized LOC105374010; plus strand). Cytogenetic location: 3q12.1.
Variant type: single nucleotide variant.
Coding change: c.503G>A on transcript NM_001387850.1 (MANE Select); coding-DNA position 503, G replaced by A.
Protein change: p.Arg168His; replaces arginine 168 with histidine.
Molecular consequence: missense variant. On other transcripts: intron variant (1).
Genome position (GRCh38, 1-based): chr3:99,924,332, C>T on the plus strand (G>A on the coding strand, the complement: FILIP1L is on the minus strand). VCF-style: chr3-99924332-C-T. GRCh37 (hg19) VCF-style: chr3-99643176-C-T.
Other names: c.503G>A, p.Arg168His (NM_001042459.3, NM_001387852.1, NM_182909.4); c.64+106289C>T (NM_032359.4); short protein forms R168H.
Identifiers: ClinVar variation 3059252 (VCV003059252.2), dbSNP rs793440, ClinGen allele CA2513758.